The following is an entry in ClinVar:

ClinVar aggregate classification (germline): Uncertain significance. Review status: criteria provided, multiple submitters, no conflicts (2 of 4 stars). 2 submissions from 2 submitters: Uncertain significance (2). Last evaluated 2025-10-01.

Conditions:
Neurofibromatosis, type 1 (NF1). Also called: Neurofibromatosis, type I; VON RECKLINGHAUSEN DISEASE; NEUROFIBROMATOSIS, TYPE I, SOMATIC; Peripheral type neurofibromatosis. Identifiers: Orphanet 636, MedGen C0027831, MONDO:0018975, OMIM 162200. Disease mechanism: loss of function.

Submissions (2):

Labcorp Genetics (formerly Invitae), Labcorp
Classification: Uncertain significance for Neurofibromatosis, type 1. Last evaluated: 2025-10-01. Review status: criteria provided, single submitter. Criteria: Invitae Variant Classification Sherloc (09022015). Collection method: clinical testing. Allele origin: germline.
Comment: This sequence change replaces alanine, which is neutral and non-polar, with aspartic acid, which is acidic and polar, at codon 1429 of the NF1 protein (p.Ala1429Asp). This variant is not present in population databases (gnomAD no frequency). This variant has not been reported in the literature in individuals affected with NF1-related conditions. ClinVar contains an entry for this variant (Variation ID: 996455). Invitae Evidence Modeling of protein sequence and biophysical properties (such as structural, functional, and spatial information, amino acid conservation, physicochemical variation, residue mobility, and thermodynamic stability) indicates that this missense variant is expected to disrupt NF1 protein function with a positive predictive value of 95%. This variant disrupts the p.Ala1429 amino acid residue in NF1. Other variant(s) that disrupt this residue have been determined to be pathogenic (internal data). This suggests that this residue is clinically significant, and that variants that disrupt this residue are likely to be disease-causing. In summary, the available evidence is currently insufficient to determine the role of this variant in disease. Therefore, it has been classified as a Variant of Uncertain Significance.

Genome Diagnostics Laboratory, The Hospital for Sick Children
Classification: Uncertain significance for Neurofibromatosis, type 1. Last evaluated: 2020-10-26. Review status: criteria provided, single submitter. Criteria: ACMG Guidelines, 2015. Collection method: clinical testing. Allele origin: germline. Affected: yes.

NM_001042492.3(NF1):c.4349C>A (p.Ala1450Asp)

Gene: NF1 (neurofibromin 1; plus strand). Cytogenetic location: 17q11.2.
Variant type: single nucleotide variant.
Coding change: c.4349C>A on transcript NM_001042492.3 (MANE Select); coding-DNA position 4349, C replaced by A.
Protein change: p.Ala1450Asp; replaces alanine 1450 with aspartic acid.
Molecular consequence: missense variant.
Genome position (GRCh38, 1-based): chr17:31,259,048, C>A. VCF-style: chr17-31259048-C-A. GRCh37 (hg19) VCF-style: chr17-29586066-C-A.
Other names: c.4286C>A, p.Ala1429Asp (NM_000267.4); short protein forms A1429D, A1450D.
Identifiers: ClinVar variation 996455 (VCV000996455.4), dbSNP rs2067636212, ClinGen allele CA398998732.
Genomic context (GRCh38, chr17:31,259,048, plus strand): 5'-ACAATAAATAATCTGATTATTTATAACCCTGTTTTATTGTGTAGATACTTCAGAGTATTG[C>A]CAATCATGTTCTCTTCACAAAAGAAGAACATATGCGGCCTTTCAATGATTTTGTGAAAAG-3'
Protein context (NP_001035957.1, residues 1440-1460): KLMSKILQSI[Ala1450Asp]NHVLFTKEEH